The following is an entry in ClinVar:

ClinVar aggregate classification (germline): Likely pathogenic (0 of 4 stars; one submission).

Conditions:
GLI1-related disorder. Also called: GLI1-related condition.

gnomAD v4.1: 3 of 1,588,058 alleles (0.00019%); highest among the groups gnomAD compares: Admixed American, 0.0018%; no homozygotes.

Submission:

PreventionGenetics, part of Exact Sciences
Classification: Likely pathogenic for GLI1-related condition. Last evaluated: 2024-09-24. Review status: no assertion criteria provided. Collection method: clinical testing. Allele origin: germline.
Comment: The GLI1 c.2968C>T variant is predicted to result in premature protein termination (p.Arg990*). To our knowledge, this variant has not been reported in the literature. This variant is reported in 0.0055% of alleles in individuals of East Asian descent in gnomAD. Nonsense variants in GLI1 are expected to be pathogenic. This variant is interpreted as likely pathogenic.

NM_005269.3(GLI1):c.2968C>T (p.Arg990Ter)

Gene: GLI1 (GLI family zinc finger 1; plus strand). Cytogenetic location: 12q13.3.
Variant type: single nucleotide variant.
Coding change: c.2968C>T on transcript NM_005269.3 (MANE Select); coding-DNA position 2968, C replaced by T.
Protein change: p.Arg990Ter; replaces arginine 990 with a stop codon.
Molecular consequence: nonsense.
Genome position (GRCh38, 1-based): chr12:57,471,708, C>T. VCF-style: chr12-57471708-C-T. GRCh37 (hg19) VCF-style: chr12-57865491-C-T.
Other names: c.2584C>T, p.Arg862Ter (NM_001160045.2); c.2845C>T, p.Arg949Ter (NM_001167609.2); short protein forms R862*, R949*, R990*.
Identifiers: ClinVar variation 3353391 (VCV003353391.1).